The following is an entry in ClinVar:

ClinVar aggregate classification (germline): Uncertain significance. Review status: criteria provided, single submitter (1 of 4 stars). 2 submissions from 2 submitters: Uncertain significance (1). 1 of the submissions does not count toward it. Last evaluated 2024-07-09.

Conditions:
Hypothyroidism due to TSH receptor mutations. Also called: Hypothyroidism, congenital, nongoitrous, 1; TSH RESISTANCE; HYPOTHYROIDISM DUE TO UNRESPONSIVENESS TO THYROTROPIN; HYPOTHYROIDISM, CONGENITAL, DUE TO TSH RESISTANCE; HYPOTHYROIDISM, NONAUTOIMMUNE; THYROID-STIMULATING HORMONE, RESISTANCE TO. Identifiers: Orphanet 90673, MedGen C3493776, MONDO:0010142, OMIM 275200.

Allele frequency attached by ClinVar (database versions not stated): gnomAD exomes below 0.00001 and 0.00001; ExAC 0.00001.
gnomAD v4.1: 12 of 1,614,142 alleles (0.00074%); highest among the groups gnomAD compares: Non-Finnish European, 0.00093%; no homozygotes.

Submissions (2):

Women's Health and Genetics/Laboratory Corporation of America, LabCorp
Classification: Uncertain significance. Last evaluated: 2024-07-09. Review status: criteria provided, single submitter. Criteria: LabCorp Variant Classification Summary - May 2015. Collection method: clinical testing. Allele origin: germline.
Comment: Variant summary: TSHR c.1228G>A (p.Asp410Asn) results in a conservative amino acid change in the encoded protein sequence. Four of five in-silico tools predict a damaging effect of the variant on protein function. The variant allele was found at a frequency of 4e-06 in 251490 control chromosomes. c.1228G>A has been reported in the literature in compound heterozygous individuals affected with Hypothyroidism Due To TSH Receptor Mutations (de Roux_1996) and heterozygous in individuals with subclinical hypothyroidism (Tonacchera_2007, Nicoletti_2009). These data indicate that the variant may be associated with disease. At least one publication reports experimental evidence evaluating an impact on protein function. The most pronounced variant effect results in reduced adenylate cyclase activation in transfected COS-7 cells (de Roux_1996). The following publications have been ascertained in the context of this evaluation (PMID: 19820021, 17697008, 8954020). ClinVar contains an entry for this variant (Variation ID: 6441). Based on the evidence outlined above, the variant was classified as VUS-possibly pathogenic.

OMIM
Classification: Pathogenic for HYPOTHYROIDISM, CONGENITAL, NONGOITROUS, 1. Last evaluated: 1996-06-01. Review status: no assertion criteria provided. Collection method: literature only. Allele origin: germline. Not counted in ClinVar's aggregate classification.

Literature cited by the submitters: PubMed 8954020 (cited by Women's Health and Genetics/Laboratory Corporation of America, LabCorp); PubMed 19820021 (cited by Women's Health and Genetics/Laboratory Corporation of America, LabCorp); PubMed 17697008 (cited by Women's Health and Genetics/Laboratory Corporation of America, LabCorp); PubMed 8964822 (cited by OMIM).

NM_000369.5(TSHR):c.1228G>A (p.Asp410Asn)

Genes: TSHR-AS1 (TSHR antisense RNA 1; minus strand), TSHR (thyroid stimulating hormone receptor; plus strand). Cytogenetic location: 14q31.1.
Variant type: single nucleotide variant.
Coding change: c.1228G>A on transcript NM_000369.5 (MANE Select); coding-DNA position 1228, G replaced by A.
Protein change: p.Asp410Asn; replaces aspartic acid 410 with asparagine.
Molecular consequence: missense variant.
Genome position (GRCh38, 1-based): chr14:81,143,286, G>A. VCF-style: chr14-81143286-G-A. GRCh37 (hg19) VCF-style: chr14-81609630-G-A.
Other names: short protein forms D410N.
Identifiers: ClinVar variation 6441 (VCV000006441.2), dbSNP rs121908868, ClinGen allele CA118224.